The following is an entry in ClinVar:

NM_004183.4(BEST1):c.28G>A (p.Ala10Thr)

Gene: BEST1 (bestrophin 1; plus strand). Cytogenetic location: 11q12.3.
Variant type: single nucleotide variant.
Coding change: c.28G>A on transcript NM_004183.4 (MANE Select); coding-DNA position 28, G replaced by A.
Protein change: p.Ala10Thr; replaces alanine 10 with threonine.
Molecular consequence: missense variant. On other transcripts: non-coding transcript variant (1), intron variant (6).
Genome position (GRCh38, 1-based): chr11:61,951,834, G>A. VCF-style: chr11-61951834-G-A. GRCh37 (hg19) VCF-style: chr11-61719306-G-A.
Other names: c.28G>A, p.Ala10Thr (NM_001363592.2, NM_001440571.1, NM_001440572.1 and 1 more transcripts); c.-29+1407G>A (NM_001139443.3, NM_001300787.2, NM_001440574.1 and 3 more transcripts); short protein forms A10T.
Identifiers: ClinVar variation 99706 (VCV000099706.14), dbSNP rs281865206, ClinGen allele CA227759.

ClinVar aggregate classification (germline): Pathogenic. Review status: criteria provided, multiple submitters, no conflicts (2 of 4 stars). 4 submissions from 4 submitters: Pathogenic (3). 1 of the submissions does not count toward it. Last evaluated 2022-11-30.

Conditions:
Retinal dystrophy. Also called: Inherited retinal dystrophy. Identifiers: Orphanet 71862, MedGen C0854723, MeSH D058499, MONDO:0019118, HP:0000556.
BEST1-related disorder. Also called: BEST1-related disorders; BEST1-related condition. Identifiers: MedGen CN239200.

Allele frequency attached by ClinVar (database versions not stated): gnomAD exomes below 0.00001.
gnomAD v4.1: 3 of 1,613,322 alleles (0.00019%); highest among the groups gnomAD compares: Non-Finnish European, 0.00025%; no homozygotes.

Submissions (4):

Blueprint Genetics
Classification: Pathogenic for BEST1-related disorders. Last evaluated: 2022-11-30. Review status: criteria provided, single submitter. Criteria: ACMG Guidelines, 2015. Collection method: clinical testing. Allele origin: germline. Affected: yes. Observed: 3 variant alleles.

Labcorp Genetics (formerly Invitae), Labcorp
Classification: Pathogenic. Last evaluated: 2022-08-19. Review status: criteria provided, single submitter. Criteria: Invitae Variant Classification Sherloc (09022015). Collection method: clinical testing. Allele origin: germline.
Comment: ClinVar contains an entry for this variant (Variation ID: 99706). For these reasons, this variant has been classified as Pathogenic. This variant disrupts the p.Ala10 amino acid residue in BEST1. Other variant(s) that disrupt this residue have been observed in individuals with BEST1-related conditions (PMID: 10394929), which suggests that this may be a clinically significant amino acid residue. Advanced modeling of protein sequence and biophysical properties (such as structural, functional, and spatial information, amino acid conservation, physicochemical variation, residue mobility, and thermodynamic stability) performed at Invitae indicates that this missense variant is expected to disrupt BEST1 protein function. This missense change has been observed in individuals with autosomal dominant Best vitelliform macular dystrophy (PMID: 9700209, 10854112, 25082885, 25174897). It has also been observed to segregate with disease in related individuals. This variant is not present in population databases (gnomAD no frequency). This sequence change replaces alanine, which is neutral and non-polar, with threonine, which is neutral and polar, at codon 10 of the BEST1 protein (p.Ala10Thr).

Institute of Human Genetics, Univ. Regensburg, Univ. Regensburg
Classification: Pathogenic for Retinal dystrophy. Last evaluated: 2018-01-01. Review status: criteria provided, single submitter. Criteria: ACMG Guidelines, 2015. Collection method: clinical testing. Allele origin: germline. Affected: yes.

Retina International
No classification provided. Review status: no classification provided. Collection method: not provided. Allele origin: not provided. Not counted in ClinVar's aggregate classification.

Literature cited by the submitters: PubMed 10394929 (cited by Labcorp Genetics (formerly Invitae), Labcorp); PubMed 9700209 (cited by Labcorp Genetics (formerly Invitae), Labcorp and Institute of Human Genetics, Univ. Regensburg, Univ. Regensburg); PubMed 10854112 (cited by Labcorp Genetics (formerly Invitae), Labcorp); PubMed 25082885 (cited by Labcorp Genetics (formerly Invitae), Labcorp); PubMed 25174897 (cited by Labcorp Genetics (formerly Invitae), Labcorp); PubMed 31836750 (cited by Institute of Human Genetics, Univ. Regensburg, Univ. Regensburg).